The following is an entry in ClinVar:

NM_000431.4(MVK):c.394G>A (p.Val132Ile)

Gene: MVK (mevalonate kinase; plus strand). Cytogenetic location: 12q24.11.
Variant type: single nucleotide variant.
Coding change: c.394G>A on transcript NM_000431.4 (MANE Select); coding-DNA position 394, G replaced by A.
Protein change: p.Val132Ile; replaces valine 132 with isoleucine.
Molecular consequence: missense variant. On other transcripts: intron variant (1).
Genome position (GRCh38, 1-based): chr12:109,581,417, G>A. VCF-style: chr12-109581417-G-A. GRCh37 (hg19) VCF-style: chr12-110019222-G-A.
Other names: c.394G>A, p.Val132Ile (NM_001114185.3); c.371+1471G>A (NM_001301182.2); short protein forms V132I.
Identifiers: ClinVar variation 97586 (VCV000097586.9), dbSNP rs104895336, ClinGen allele CA149825.

ClinVar aggregate classification (germline): Uncertain significance. Review status: criteria provided, multiple submitters, no conflicts (2 of 4 stars). 4 submissions from 4 submitters: Uncertain significance (3). 1 of the submissions does not count toward it. Last evaluated 2025-09-23.

Conditions:
Hyperimmunoglobulin D with periodic fever (HIDS). Also called: HYPERIMMUNOGLOBULINEMIA D AND PERIODIC FEVER SYNDROME; Hyperimmunoglobulinemia D with periodic fever; Hyperimmunoglobulinemia D. Identifiers: Orphanet 343, MedGen C0398691, MONDO:0009849, OMIM 260920.
Mevalonic aciduria (MEVA). Identifiers: Orphanet 29, MedGen C1959626, MONDO:0012481, OMIM 610377.
Porokeratosis 3, disseminated superficial actinic type (POROK3). Also called: POROKERATOSIS, DISSEMINATED SUPERFICIAL ACTINIC, 1; POROKERATOSIS 3, MULTIPLE TYPES; POROKERATOSIS 3, MIBELLI TYPE. Identifiers: MedGen C1867981, MONDO:0008293, OMIM 175900.

Allele frequency attached by ClinVar (database versions not stated): ExAC 0.00002; gnomAD exomes 0.00002 and 0.00004; TOPMed 0.00003; gnomAD 0.00005.
gnomAD v4.1: 39 of 1,613,972 alleles (0.0024%); highest among the groups gnomAD compares: Middle Eastern, 0.066%; no homozygotes.

Submissions (4):

Labcorp Genetics (formerly Invitae), Labcorp
Classification: Uncertain significance for Mevalonic aciduria; Hyperimmunoglobulin D with periodic fever; Porokeratosis 3, disseminated superficial actinic type. Last evaluated: 2025-09-23. Review status: criteria provided, single submitter. Criteria: Invitae Variant Classification Sherloc (09022015). Collection method: clinical testing. Allele origin: germline.
Comment: This sequence change replaces valine, which is neutral and non-polar, with isoleucine, which is neutral and non-polar, at codon 132 of the MVK protein (p.Val132Ile). This variant is present in population databases (rs104895336, gnomAD 0.02%). This missense change has been observed in individual(s) with MVK-related disease and/or auto-inflammatory diseases (PMID: 15536479, 19786432, 19877056, 24531851, 26386126, 26935981, 29047407). ClinVar contains an entry for this variant (Variation ID: 97586). An algorithm developed to predict the effect of missense changes on protein structure and function outputs the following: PolyPhen-2: "Benign". The isoleucine amino acid residue is found in multiple mammalian species, which suggests that this missense change does not adversely affect protein function. In summary, the available evidence is currently insufficient to determine the role of this variant in disease. Therefore, it has been classified as a Variant of Uncertain Significance.

Blueprint Genetics
Classification: Uncertain significance. Last evaluated: 2024-01-23. Review status: criteria provided, single submitter. Criteria: ACMG Guidelines, 2015. Collection method: clinical testing. Allele origin: germline.

Fulgent Genetics
Classification: Uncertain significance for Porokeratosis 3, disseminated superficial actinic type; Hyperimmunoglobulin D with periodic fever; Mevalonic aciduria. Last evaluated: 2022-03-02. Review status: criteria provided, single submitter. Criteria: ACMG Guidelines, 2015. Collection method: clinical testing. Allele origin: unknown.

Unité médicale des maladies autoinflammatoires, CHRU Montpellier
No classification provided. Condition: Hyperimmunoglobulin D with periodic fever. Review status: no classification provided. Collection method: not provided. Allele origin: unknown. Not counted in ClinVar's aggregate classification.
Comment: also involved in OMIM 25117

Literature cited by the submitters: PubMed 15536479 (cited by Labcorp Genetics (formerly Invitae), Labcorp); PubMed 19786432 (cited by Labcorp Genetics (formerly Invitae), Labcorp); PubMed 19877056 (cited by Labcorp Genetics (formerly Invitae), Labcorp); PubMed 24531851 (cited by Labcorp Genetics (formerly Invitae), Labcorp); PubMed 26386126 (cited by Labcorp Genetics (formerly Invitae), Labcorp); PubMed 26935981 (cited by Labcorp Genetics (formerly Invitae), Labcorp); PubMed 29047407 (cited by Labcorp Genetics (formerly Invitae), Labcorp).